The following is an entry in ClinVar:

NM_006009.4(TUBA1A):c.283G>T (p.Gly95Cys)

Gene: TUBA1A (tubulin alpha 1a; minus strand). Cytogenetic location: 12q13.12.
Variant type: single nucleotide variant.
Coding change: c.283G>T on transcript NM_006009.4 (MANE Select); coding-DNA position 283, G replaced by T.
Protein change: p.Gly95Cys; replaces glycine 95 with cysteine.
Molecular consequence: missense variant.
Genome position (GRCh38, 1-based): chr12:49,186,402, C>A on the plus strand (G>T on the coding strand, the complement: TUBA1A is on the minus strand). VCF-style: chr12-49186402-C-A. GRCh37 (hg19) VCF-style: chr12-49580185-C-A.
Other names: c.283G>T, p.Gly95Cys (NM_001270399.2); c.178G>T, p.Gly60Cys (NM_001270400.2); short protein forms G95C, G60C.
Identifiers: ClinVar variation 520585 (VCV000520585.6), dbSNP rs1555162486, ClinGen allele CA384643482.

ClinVar aggregate classification (germline): Pathogenic. Review status: criteria provided, multiple submitters, no conflicts (2 of 4 stars). 2 submissions from 2 submitters: Pathogenic (2). Last evaluated 2018-07-01.

Conditions:
Tubulinopathy. Also called: Tubulinopathies. Identifiers: MedGen CN850169, MONDO:0100153.
Inborn genetic diseases. Identifiers: MedGen C0950123, MeSH D030342.

Submissions (2):

Institute of Human Genetics, FAU Erlangen, Friedrich-Alexander-Universität Erlangen-Nürnberg
Classification: Pathogenic for Tubulinopathies. Last evaluated: 2018-07-01. Review status: criteria provided, single submitter. Criteria: ACMG Guidelines, 2015. Collection method: literature only. Allele origin: de novo. Affected: yes. Observed: 1 variant allele.
Comment: The c.283G>T, p.(Gly95Cys) variant has been reported as a variant of de novo origin.

Ambry Genetics
Classification: Pathogenic for Inborn genetic diseases. Last evaluated: 2014-10-14. Review status: criteria provided, single submitter. Criteria: Ambry Variant Classification Scheme 2023. Collection method: clinical testing. Allele origin: germline.
Comment: The c.283G>T (p.G95C) alteration is located in exon 3 (coding exon 3) of the TUBA1A gene. This alteration results from a G to T substitution at nucleotide position 283, causing the glycine (G) at amino acid position 95 to be replaced by a cysteine (C). The alteration is not observed in healthy cohorts:_x000D_ Based on data from the NHLBI Exome Sequencing Project (ESP), the TUBA1A c.283G>T alteration was not observed among 6,477 individuals tested. Allele frequency data for this nucleotide position are not currently available from the 1000 Genomes Project and the alteration is not currently listed in the Database of Single Nucleotide Polymorphisms (dbSNP). Though some variants may appear to be rare due to database-specific ethnic underrepresentation, rare missense alleles commonly exhibit a deleterious effect on protein function (Kryukov, 2007; Tennessen, 2012). IF USED, PULL THESE INTO REFERENCES:_x000D_ Kryukov GV, et al. (2007) Am J Hum Genet 80:727-739. Tennessen JA, et al. (2012) Science 337(64):64-69. The altered nucleotide is conserved throughout evolution:_x000D_ The c.283G nucleotide is completely conserved in available vertebrate species._x000D_ The altered amino acid is conserved throughout evolution:_x000D_ The p.G95 amino acid is completely conserved in available vertebrate species. The c.283G>T (p.G95C) alteration is located in coding exon 3 of the TUBA1A gene. The alteration consists of a G to T substitution at nucleotide position 283, causing the Glycine (G) at amino acid position 95 to be replaced by a Cysteine (C). The alteration is predicted deleterious by in silico models:_x000D_ The p.G95C alteration is predicted to be probably damaging by Polyphen and deleterious by SIFT in silico analyses._x000D_ The alteration is predicted not to affect splicing by in silico models:_x000D_ Based on BDGP and ESEfinder splice site in silico tools, this alteration does not have any significant effect on the native acceptor/donor splice site; however, direct evidence is unavailable Based on the available evidence, this alteration is classified as pathogenic.

Literature cited by the submitters: PubMed 30744660 (cited by Institute of Human Genetics, FAU Erlangen, Friedrich-Alexander-Universität Erlangen-Nürnberg); DOI 10.1101/427948 (cited by Institute of Human Genetics, FAU Erlangen, Friedrich-Alexander-Universität Erlangen-Nürnberg).